The following is an entry in ClinVar:

ClinVar aggregate classification (germline): Uncertain significance (1 of 4 stars; one submission).

Allele frequency attached by ClinVar (database versions not stated): gnomAD exomes below 0.00001.
gnomAD v4.1: 1 of 1,614,152 alleles (0.000062%); highest among the groups gnomAD compares: Non-Finnish European, 0.000085%; no homozygotes.

Submission:

Labcorp Genetics (formerly Invitae), Labcorp
Classification: Uncertain significance. Last evaluated: 2024-10-15. Review status: criteria provided, single submitter. Criteria: Invitae Variant Classification Sherloc (09022015). Collection method: clinical testing. Allele origin: germline.
Comment: This sequence change replaces leucine, which is neutral and non-polar, with methionine, which is neutral and non-polar, at codon 459 of the CAPN5 protein (p.Leu459Met). This variant is not present in population databases (gnomAD no frequency). This variant has not been reported in the literature in individuals affected with CAPN5-related conditions. ClinVar contains an entry for this variant (Variation ID: 2128928). Invitae Evidence Modeling of protein sequence and biophysical properties (such as structural, functional, and spatial information, amino acid conservation, physicochemical variation, residue mobility, and thermodynamic stability) indicates that this missense variant is not expected to disrupt CAPN5 protein function with a negative predictive value of 80%. In summary, the available evidence is currently insufficient to determine the role of this variant in disease. Therefore, it has been classified as a Variant of Uncertain Significance.

NM_004055.5(CAPN5):c.1375C>A (p.Leu459Met)

Gene: CAPN5 (calpain 5; plus strand). Cytogenetic location: 11q13.5.
Variant type: single nucleotide variant.
Coding change: c.1375C>A on transcript NM_004055.5 (MANE Select); coding-DNA position 1375, C replaced by A.
Protein change: p.Leu459Met; replaces leucine 459 with methionine.
Molecular consequence: missense variant.
Genome position (GRCh38, 1-based): chr11:77,120,797, C>A. VCF-style: chr11-77120797-C-A. GRCh37 (hg19) VCF-style: chr11-76831843-C-A.
Other names: short protein forms L459M.
Identifiers: ClinVar variation 2128928 (VCV002128928.4), dbSNP rs2496308076, ClinGen allele CA381943113.
Genomic context (GRCh38, chr11:77,120,797, plus strand): 5'-ATGCACAGCCTGCAGCACAAGGCCGCCAGCTCCATCTACATCAACTCACGCAGCGTCTTC[C>A]TGCGCACCGACCAGCCCGAGGGCCGCTATGTCATCATCCCCACAACCTTCGAGCCAGGCC-3'
Protein context (NP_004046.2, residues 449-469): SIYINSRSVF[Leu459Met]RTDQPEGRYV